The following is an entry in ClinVar:

NM_018975.4(TERF2IP):c.139C>A (p.Leu47Met)

Gene: TERF2IP (TERF2 interacting protein; plus strand). Cytogenetic location: 16q23.1.
Variant type: single nucleotide variant.
Coding change: c.139C>A on transcript NM_018975.4 (MANE Select); coding-DNA position 139, C replaced by A.
Protein change: p.Leu47Met; replaces leucine 47 with methionine.
Molecular consequence: missense variant. On other transcripts: non-coding transcript variant (1).
Genome position (GRCh38, 1-based): chr16:75,648,021, C>A. VCF-style: chr16-75648021-C-A. GRCh37 (hg19) VCF-style: chr16-75681919-C-A.
Other names: short protein forms L47M.
Identifiers: ClinVar variation 1771718 (VCV001771718.3), dbSNP rs1276007973, ClinGen allele CA396817304.

ClinVar aggregate classification (germline): Uncertain significance (1 of 4 stars; one submission).

Submission:

Ambry Genetics
Classification: Uncertain significance. Last evaluated: 2024-10-18. Review status: criteria provided, single submitter. Criteria: Ambry Variant Classification Scheme 2023. Collection method: clinical testing. Allele origin: germline.
Comment: The p.L47M variant (also known as c.139C>A), located in coding exon 1 of the TERF2IP gene, results from a C to A substitution at nucleotide position 139. The leucine at codon 47 is replaced by methionine, an amino acid with highly similar properties. This amino acid position is conserved. In addition, this alteration is predicted to be tolerated by in silico analysis. Since supporting evidence is limited at this time, the clinical significance of this alteration remains unclear.